The following is an entry in ClinVar:

NM_001982.4(ERBB3):c.1244del (p.Asn414_Leu415insTer)

Gene: ERBB3 (erb-b2 receptor tyrosine kinase 3; plus strand). Cytogenetic location: 12q13.2.
Variant type: Deletion.
Coding change: c.1244del on transcript NM_001982.4 (MANE Select); coding-DNA position 1244, one base deleted (T; older notation c.1244delT).
Protein change: p.Asn414_Leu415insTer.
Molecular consequence: nonsense.
Genome position (GRCh38, 1-based): chr12:56,093,046, T deleted; the last of 3 consecutive T bases (chr12:56,093,044-56,093,046); deleting any one gives the same sequence. VCF-style (leftmost placement, unchanged base first): chr12-56093043-AT-A. GRCh37 (hg19) VCF-style: chr12-56486827-AT-A.
Identifiers: ClinVar variation 4994057 (VCV004994057.1).

ClinVar aggregate classification (germline): Likely pathogenic (1 of 4 stars; one submission).

Conditions:
ERBB3-related disorder. Also called: ERBB3-related condition.

Submission:

PreventionGenetics, part of Exact Sciences
Classification: Likely pathogenic for ERBB3-related condition. Last evaluated: 2025-11-03. Review status: criteria provided, single submitter. Criteria: ACMG Guidelines, 2015. Collection method: clinical testing. Allele origin: germline.
Comment: The ERBB3 c.1244delT variant is predicted to result in premature protein termination (p.Leu415*). To our knowledge, this variant has not been reported in the literature or in a large population database (gnomAD), indicating this variant is rare. Frameshift variants in ERBB3 are expected to be pathogenic. This variant is interpreted as likely pathogenic.